The following is an entry in ClinVar:

NM_032043.3(BRIP1):c.287C>T (p.Thr96Ile)

Gene: BRIP1 (BRCA1 interacting DNA helicase 1; minus strand). Cytogenetic location: 17q23.2.
Variant type: single nucleotide variant.
Coding change: c.287C>T on transcript NM_032043.3 (MANE Select); coding-DNA position 287, C replaced by T.
Protein change: p.Thr96Ile; replaces threonine 96 with isoleucine.
Molecular consequence: missense variant.
Genome position (GRCh38, 1-based): chr17:61,857,150, G>A on the plus strand (C>T on the coding strand, the complement: BRIP1 is on the minus strand). VCF-style: chr17-61857150-G-A. GRCh37 (hg19) VCF-style: chr17-59934511-G-A.
Other names: short protein forms T96I.
Identifiers: ClinVar variation 929518 (VCV000929518.8), dbSNP rs2078908690, ClinGen allele CA400485447.

ClinVar aggregate classification (germline): Uncertain significance. Review status: criteria provided, multiple submitters, no conflicts (2 of 4 stars). 3 submissions from 3 submitters: Uncertain significance (2). 1 of the submissions does not count toward it. Last evaluated 2026-01-14.

Conditions:
Hereditary cancer-predisposing syndrome. Also called: Tumor predisposition; Hereditary neoplastic syndrome; Hereditary Cancer Syndrome; Neoplastic Syndromes, Hereditary. Identifiers: Orphanet 140162, MedGen C0027672, MeSH D009386, MONDO:0015356.
Fanconi anemia complementation group J. Also called: BRIP1-Related Fanconi Anemia. Identifiers: Orphanet 84, MedGen C1836860, MONDO:0012187, OMIM 609054.
Familial cancer of breast. Also called: BREAST CANCER, FAMILIAL; Hereditary breast cancer; hereditary breast carcinoma. Identifiers: Orphanet 227535, MedGen C0346153, MONDO:0016419, OMIM 114480. Disease mechanism: loss of function.

Allele frequency attached by ClinVar (database versions not stated): gnomAD exomes below 0.00001.
gnomAD v4.1: 2 of 1,614,096 alleles (0.00012%); highest among the groups gnomAD compares: Non-Finnish European, 0.000085%; no homozygotes.

Submissions (3):

Ambry Genetics
Classification: Uncertain significance for Hereditary cancer-predisposing syndrome. Last evaluated: 2026-01-14. Review status: criteria provided, single submitter. Criteria: Ambry Variant Classification Scheme 2023. Collection method: clinical testing. Allele origin: germline.
Comment: The p.T96I variant (also known as c.287C>T), located in coding exon 3 of the BRIP1 gene, results from a C to T substitution at nucleotide position 287. The threonine at codon 96 is replaced by isoleucine, an amino acid with similar properties. This amino acid position is conserved. In addition, this alteration is predicted to be tolerated by in silico analysis. Based on the available evidence, the clinical significance of this variant remains unclear.

Labcorp Genetics (formerly Invitae), Labcorp
Classification: Uncertain significance for Familial cancer of breast; Fanconi anemia complementation group J. Last evaluated: 2024-10-26. Review status: criteria provided, single submitter. Criteria: Invitae Variant Classification Sherloc (09022015). Collection method: clinical testing. Allele origin: germline.
Comment: This sequence change replaces threonine, which is neutral and polar, with isoleucine, which is neutral and non-polar, at codon 96 of the BRIP1 protein (p.Thr96Ile). This variant is not present in population databases (gnomAD no frequency). This variant has not been reported in the literature in individuals affected with BRIP1-related conditions. ClinVar contains an entry for this variant (Variation ID: 929518). Invitae Evidence Modeling of protein sequence and biophysical properties (such as structural, functional, and spatial information, amino acid conservation, physicochemical variation, residue mobility, and thermodynamic stability) indicates that this missense variant is not expected to disrupt BRIP1 protein function with a negative predictive value of 95%. In summary, the available evidence is currently insufficient to determine the role of this variant in disease. Therefore, it has been classified as a Variant of Uncertain Significance.

Leiden Open Variation Database
Classification: Uncertain significance. Last evaluated: 2019-08-13. Review status: no assertion criteria provided. Collection method: curation. Allele origin: germline. Affected: yes. Not counted in ClinVar's aggregate classification.
Comment: Curator: Arleen D. Auerbach. Submitter to LOVD: Yukihide Momozawa.

Literature cited by the submitters: PubMed 31214711 (cited by Leiden Open Variation Database).